The following is an entry in ClinVar:

NM_001909.5(CTSD):c.718C>T (p.Gln240Ter)

Gene: CTSD (cathepsin D; minus strand). Cytogenetic location: 11p15.5.
Variant type: single nucleotide variant.
Coding change: c.718C>T on transcript NM_001909.5 (MANE Select); coding-DNA position 718, C replaced by T.
Protein change: p.Gln240Ter; replaces glutamine 240 with a stop codon.
Molecular consequence: nonsense.
Genome position (GRCh38, 1-based): chr11:1,755,015, G>A on the plus strand (C>T on the coding strand, the complement: CTSD is on the minus strand). VCF-style: chr11-1755015-G-A. GRCh37 (hg19) VCF-style: chr11-1776245-G-A.
Other names: short protein forms Q240*.
Identifiers: ClinVar variation 2845392 (VCV002845392.3), dbSNP rs2493820472, ClinGen allele CA379095491.

ClinVar aggregate classification (germline): Pathogenic (1 of 4 stars; one submission).

Conditions:
Neuronal ceroid lipofuscinosis. Also called: Neuronal Ceroid Lipofuscinoses. Identifiers: Orphanet 216, Orphanet 79263, MedGen C0027877, MONDO:0016295. Disease mechanism: loss of function.

Submission:

Labcorp Genetics (formerly Invitae), Labcorp
Classification: Pathogenic for Neuronal ceroid lipofuscinosis. Last evaluated: 2023-03-13. Review status: criteria provided, single submitter. Criteria: Invitae Variant Classification Sherloc (09022015). Collection method: clinical testing. Allele origin: germline.
Comment: This sequence change creates a premature translational stop signal (p.Gln240*) in the CTSD gene. It is expected to result in an absent or disrupted protein product. Loss-of-function variants in CTSD are known to be pathogenic (PMID: 16670177, 26059544). For these reasons, this variant has been classified as Pathogenic. This variant has not been reported in the literature in individuals affected with CTSD-related conditions. This variant is not present in population databases (gnomAD no frequency).

Literature cited by the submitters: PubMed 16670177; PubMed 26059544.